The following is an entry in ClinVar:

NM_000143.4(FH):c.62C>A (p.Ala21Asp)

Gene: FH (fumarate hydratase; minus strand). Cytogenetic location: 1q43.
Variant type: single nucleotide variant.
Coding change: c.62C>A on transcript NM_000143.4 (MANE Select); coding-DNA position 62, C replaced by A.
Protein change: p.Ala21Asp; replaces alanine 21 with aspartic acid.
Molecular consequence: missense variant.
Genome position (GRCh38, 1-based): chr1:241,519,661, G>T on the plus strand (C>A on the coding strand, the complement: FH is on the minus strand). VCF-style: chr1-241519661-G-T. GRCh37 (hg19) VCF-style: chr1-241682961-G-T.
Other names: short protein forms A21D.
Identifiers: ClinVar variation 1961425 (VCV001961425.6), dbSNP rs1131691251, ClinGen allele CA345442900.

ClinVar aggregate classification (germline): Uncertain significance. Review status: criteria provided, multiple submitters, no conflicts (2 of 4 stars). 2 submissions from 2 submitters: Uncertain significance (2). Last evaluated 2026-07-02.

Conditions:
Hereditary cancer-predisposing syndrome. Also called: Hereditary neoplastic syndrome; Neoplastic Syndromes, Hereditary; Tumor predisposition; Hereditary Cancer Syndrome. Identifiers: Orphanet 140162, MedGen C0027672, MeSH D009386, MONDO:0015356.

gnomAD v4.1: 1 of 1,547,912 alleles (0.000065%); highest among the groups gnomAD compares: Non-Finnish European, 0.000087%; no homozygotes.

Submissions (2):

Ambry Genetics
Classification: Uncertain significance for Hereditary cancer-predisposing syndrome. Last evaluated: 2026-07-02. Review status: criteria provided, single submitter. Criteria: Ambry Variant Classification Scheme 2023. Collection method: clinical testing. Allele origin: germline.
Comment: The p.A21D variant (also known as c.62C>A), located in coding exon 1 of the FH gene, results from a C to A substitution at nucleotide position 62. The alanine at codon 21 is replaced by aspartic acid, an amino acid with dissimilar properties. This amino acid position is conserved. In addition, the in silico prediction for this alteration is inconclusive. Based on the available evidence, the clinical significance of this variant remains unclear.

Labcorp Genetics (formerly Invitae), Labcorp
Classification: Uncertain significance. Last evaluated: 2023-07-25. Review status: criteria provided, single submitter. Criteria: Invitae Variant Classification Sherloc (09022015). Collection method: clinical testing. Allele origin: germline.
Comment: In summary, the available evidence is currently insufficient to determine the role of this variant in disease. Therefore, it has been classified as a Variant of Uncertain Significance. Advanced modeling of protein sequence and biophysical properties (such as structural, functional, and spatial information, amino acid conservation, physicochemical variation, residue mobility, and thermodynamic stability) performed at Invitae indicates that this missense variant is not expected to disrupt FH protein function. ClinVar contains an entry for this variant (Variation ID: 1961425). This variant has not been reported in the literature in individuals affected with FH-related conditions. This variant is not present in population databases (gnomAD no frequency). This sequence change replaces alanine, which is neutral and non-polar, with aspartic acid, which is acidic and polar, at codon 21 of the FH protein (p.Ala21Asp).